The following is an entry in ClinVar:

ClinVar aggregate classification (germline): Pathogenic (1 of 4 stars; one submission).

Conditions:
Congenital stationary night blindness autosomal dominant 2. Also called: NIGHT BLINDNESS, CONGENITAL STATIONARY, RAMBUSCH TYPE. Identifiers: Orphanet 215, MedGen C1876182, MONDO:0008099, OMIM 163500.

Submission:

Institute of Human Genetics, University of Leipzig Medical Center
Classification: Pathogenic for Congenital stationary night blindness autosomal dominant 2. Last evaluated: 2023-11-30. Review status: criteria provided, single submitter. Criteria: ACMG Guidelines, 2015. Collection method: clinical testing. Allele origin: paternal. Inheritance: Autosomal recessive inheritance. Affected: yes.
Comment: Criteria applied: PVS1,PM2,PM3

NM_004727.3(SLC24A1):c.642dup (p.Thr215fs)

Gene: SLC24A1 (solute carrier family 24 member 1; plus strand). Cytogenetic location: 15q22.31.
Variant type: Duplication.
Coding change: c.642dup on transcript NM_004727.3 (MANE Select); coding-DNA position 642, one base duplicated (C; older notation c.642dupC).
Protein change: p.Thr215fs; shifts the reading frame from threonine 215.
Molecular consequence: frameshift variant.
Genome position (GRCh38, 1-based): chr15:65,624,722, C duplicated. VCF-style (leftmost placement, unchanged base first): chr15-65624721-T-TC. GRCh37 (hg19) VCF-style: chr15-65917059-T-TC.
Other names: c.642dup, p.Thr215fs (NM_001301031.1, NM_001301032.1, NM_001301033.2 and 1 more transcripts); short protein forms T215fs.
Identifiers: ClinVar variation 3359131 (VCV003359131.2).